The following is an entry in ClinVar:

NM_001283009.2(RTEL1):c.3451G>A (p.Glu1151Lys)

Genes: RTEL1 (regulator of telomere elongation helicase 1; plus strand), RTEL1-TNFRSF6B (RTEL1-TNFRSF6B readthrough (NMD candidate); plus strand). Cytogenetic location: 20q13.33.
Variant type: single nucleotide variant.
Coding change: c.3451G>A on transcript NM_001283009.2 (MANE Select); coding-DNA position 3451, G replaced by A.
Protein change: p.Glu1151Lys; replaces glutamic acid 1151 with lysine.
Molecular consequence: missense variant. On other transcripts: non-coding transcript variant (1).
Genome position (GRCh38, 1-based): chr20:63,695,173, G>A. VCF-style: chr20-63695173-G-A. GRCh37 (hg19) VCF-style: chr20-62326526-G-A.
Other names: c.2782G>A, p.Glu928Lys (NM_001283010.1); c.3451G>A, p.Glu1151Lys (NM_016434.4); c.3523G>A, p.Glu1175Lys (NM_032957.5); short protein forms E1175K, E928K, E1151K.
Identifiers: ClinVar variation 3948385 (VCV003948385.1).

ClinVar aggregate classification (germline): Uncertain significance (1 of 4 stars; one submission).

Conditions:
Inborn genetic diseases. Identifiers: MedGen C0950123, MeSH D030342.

gnomAD v4.1: 1 of 1,612,382 alleles (0.000062%); highest among the groups gnomAD compares: Middle Eastern, 0.017%; no homozygotes.

Submission:

Ambry Genetics
Classification: Uncertain significance for Inborn genetic diseases. Last evaluated: 2025-05-10. Review status: criteria provided, single submitter. Criteria: Ambry Variant Classification Scheme 2023. Collection method: clinical testing. Allele origin: germline.
Comment: The p.E1151K variant (also known as c.3451G>A), located in coding exon 32 of the RTEL1 gene, results from a G to A substitution at nucleotide position 3451. The glutamic acid at codon 1151 is replaced by lysine, an amino acid with similar properties. This amino acid position is conserved. In addition, this alteration is predicted to be tolerated by in silico analysis. Based on the available evidence, the clinical significance of this variant remains unclear.